The following is an entry in ClinVar:

NM_003482.4(KMT2D):c.16502G>A (p.Arg5501Gln)

Gene: KMT2D (lysine methyltransferase 2D; minus strand). Cytogenetic location: 12q13.12.
Variant type: single nucleotide variant.
Coding change: c.16502G>A on transcript NM_003482.4 (MANE Select); coding-DNA position 16502, G replaced by A.
Protein change: p.Arg5501Gln; replaces arginine 5501 with glutamine.
Molecular consequence: missense variant.
Genome position (GRCh38, 1-based): chr12:49,022,062, C>T on the plus strand (G>A on the coding strand, the complement: KMT2D is on the minus strand). VCF-style: chr12-49022062-C-T. GRCh37 (hg19) VCF-style: chr12-49415845-C-T.
Other names: short protein forms R5501Q.
Identifiers: ClinVar variation 3364710 (VCV003364710.1).

ClinVar aggregate classification (germline): Uncertain significance (1 of 4 stars; one submission).

gnomAD v4.1: 1 of 1,613,832 alleles (0.000062%); highest among the groups gnomAD compares: Non-Finnish European, 0.000085%; no homozygotes.

Submission:

GeneDx
Classification: Uncertain significance. Last evaluated: 2023-11-20. Review status: criteria provided, single submitter. Criteria: GeneDx Variant Classification Process June 2021. Collection method: clinical testing. Allele origin: germline. Affected: yes.
Comment: Not observed at significant frequency in large population cohorts (gnomAD); In silico analysis supports that this missense variant has a deleterious effect on protein structure/function; Has not been previously published as pathogenic or benign to our knowledge